The following is an entry in ClinVar:

ClinVar aggregate classification (germline): Uncertain significance (1 of 4 stars; one submission).

Conditions:
Congenital muscular dystrophy due to integrin alpha-7 deficiency. Also called: Congenital muscular dystrophy with integrin alpha-7 deficiency; Muscular dystrophy, congenital, due to ITGA7 deficiency; MYOPATHY, CONGENITAL, DUE TO INTEGRIN ALPHA-7 DEFICIENCY. Identifiers: Orphanet 34520, MedGen C2750786, MONDO:0013177, OMIM 613204.

Allele frequency attached by ClinVar (database versions not stated): TOPMed below 0.00001; gnomAD 0.00001.
gnomAD v4.1: 1 of 1,613,894 alleles (0.000062%); highest among the groups gnomAD compares: Non-Finnish European, 0.000085%; no homozygotes.

Submission:

Labcorp Genetics (formerly Invitae), Labcorp
Classification: Uncertain significance for Congenital muscular dystrophy due to integrin alpha-7 deficiency. Last evaluated: 2018-03-12. Review status: criteria provided, single submitter. Criteria: Invitae Variant Classification Sherloc (09022015). Collection method: clinical testing. Allele origin: germline.
Comment: This sequence change replaces valine with aspartic acid at codon 477 of the ITGA7 protein (p.Val477Asp). The valine residue is moderately conserved and there is a large physicochemical difference between valine and aspartic acid. This variant is not present in population databases (ExAC no frequency). This variant has not been reported in the literature in individuals with ITGA7-related disease. Algorithms developed to predict the effect of missense changes on protein structure and function do not agree on the potential impact of this missense change (SIFT: "Deleterious"; PolyPhen-2: "Probably Damaging"; Align-GVGD: "Class C15"). In summary, the available evidence is currently insufficient to determine the role of this variant in disease. Therefore, it has been classified as a Variant of Uncertain Significance.

NM_002206.3(ITGA7):c.1430T>A (p.Val477Asp)

Gene: ITGA7 (integrin subunit alpha 7; minus strand). Cytogenetic location: 12q13.2.
Variant type: single nucleotide variant.
Coding change: c.1430T>A on transcript NM_002206.3 (MANE Select); coding-DNA position 1430, T replaced by A.
Protein change: p.Val477Asp; replaces valine 477 with aspartic acid.
Molecular consequence: missense variant.
Genome position (GRCh38, 1-based): chr12:55,697,526, A>T on the plus strand (T>A on the coding strand, the complement: ITGA7 is on the minus strand). VCF-style: chr12-55697526-A-T. GRCh37 (hg19) VCF-style: chr12-56091310-A-T.
Other names: c.1442T>A, p.Val481Asp (NM_001144996.2, NM_001414029.1); c.1151T>A, p.Val384Asp (NM_001144997.2); c.1103T>A, p.Val368Asp (NM_001367993.1); c.86T>A, p.Val29Asp (NM_001367994.1); c.1430T>A, p.Val477Asp (NM_001374465.1, NM_001414034.1); c.1562T>A, p.Val521Asp (NM_001410977.1); c.1355T>A, p.Val452Asp (NM_001414030.1); c.1343T>A, p.Val448Asp (NM_001414031.1); and 3 more; short protein forms V477D, V384D, V29D, V368D, V481D, V521D, V448D, V452D.
Identifiers: ClinVar variation 581913 (VCV000581913.8), dbSNP rs1275770988, ClinGen allele CA385189400.